The following is an entry in ClinVar:

ClinVar aggregate classification (germline): Uncertain significance (1 of 4 stars; one submission).

gnomAD v4.1: 11 of 1,614,072 alleles (0.00068%); highest among the groups gnomAD compares: South Asian, 0.012%; no homozygotes.

Submission:

Labcorp Genetics (formerly Invitae), Labcorp
Classification: Uncertain significance. Last evaluated: 2023-07-07. Review status: criteria provided, single submitter. Criteria: Invitae Variant Classification Sherloc (09022015). Collection method: clinical testing. Allele origin: germline.
Comment: ClinVar contains an entry for this variant (Variation ID: 1501979). In summary, the available evidence is currently insufficient to determine the role of this variant in disease. Therefore, it has been classified as a Variant of Uncertain Significance. Advanced modeling of protein sequence and biophysical properties (such as structural, functional, and spatial information, amino acid conservation, physicochemical variation, residue mobility, and thermodynamic stability) has been performed at Invitae for this missense variant, however the output from this modeling did not meet the statistical confidence thresholds required to predict the impact of this variant on MERTK protein function. This variant has not been reported in the literature in individuals affected with MERTK-related conditions. This variant is present in population databases (rs777970779, gnomAD 0.006%). This sequence change replaces proline, which is neutral and non-polar, with leucine, which is neutral and non-polar, at codon 67 of the MERTK protein (p.Pro67Leu).

NM_006343.3(MERTK):c.200C>T (p.Pro67Leu)

Gene: MERTK (MER proto-oncogene, tyrosine kinase; plus strand). Cytogenetic location: 2q13.
Variant type: single nucleotide variant.
Coding change: c.200C>T on transcript NM_006343.3 (MANE Select); coding-DNA position 200, C replaced by T.
Protein change: p.Pro67Leu; replaces proline 67 with leucine.
Molecular consequence: missense variant.
Genome position (GRCh38, 1-based): chr2:111,929,258, C>T. VCF-style: chr2-111929258-C-T. GRCh37 (hg19) VCF-style: chr2-112686835-C-T.
Other names: short protein forms P67L.
Identifiers: ClinVar variation 1501979 (VCV001501979.6), dbSNP rs777970779, ClinGen allele CA1830995.